The following is an entry in ClinVar:

NM_001144869.3(LIPT2):c.568A>T (p.Thr190Ser)

Gene: LIPT2 (lipoyl(octanoyl) transferase 2; minus strand). Cytogenetic location: 11q13.4.
Variant type: single nucleotide variant.
Coding change: c.568A>T on transcript NM_001144869.3 (MANE Select); coding-DNA position 568, A replaced by T.
Protein change: p.Thr190Ser; replaces threonine 190 with serine.
Molecular consequence: missense variant. On other transcripts: synonymous variant (2).
Genome position (GRCh38, 1-based): chr11:74,492,263, T>A on the plus strand (A>T on the coding strand, the complement: LIPT2 is on the minus strand). VCF-style: chr11-74492263-T-A. GRCh37 (hg19) VCF-style: chr11-74203308-T-A.
Other names: c.568A>T (NM_001144869.2); c.606A>T, p.Gly202= (NM_001329941.2); c.339A>T, p.Gly113= (NM_001329942.2); short protein forms T190S.
Identifiers: ClinVar variation 1169390 (VCV001169390.16), dbSNP rs586088, ClinGen allele CA6184906.

ClinVar aggregate classification (germline): Benign. Review status: criteria provided, multiple submitters, no conflicts (2 of 4 stars). 5 submissions from 5 submitters: Benign (4). 1 of the submissions does not count toward it. Last evaluated 2026-02-03.

Conditions:
LIPT2-related disorder. Also called: LIPT2-related condition.
Encephalopathy, neonatal severe, with lactic acidosis and brain abnormalities (NELABA). Also called: Lipoyl transferase 2 deficiency; LIPOYLTRANSFERASE 2 DEFICIENCY. Identifiers: Orphanet 447795, MedGen C5681203, MONDO:0060562, OMIM 617668.

Allele frequency attached by ClinVar (database versions not stated): 1000 Genomes Project 30x 0.50312; 1000 Genomes Project 0.50879; TOPMed 0.54301; gnomAD 0.55075 and 0.55308; ExAC 0.56421; gnomAD exomes 0.58030 and 0.61433.
gnomAD v4.1: 942,639 of 1,551,212 alleles (61%); highest among the groups gnomAD compares: East Asian, 67%; 289,463 homozygotes.

Submissions (5):

Labcorp Genetics (formerly Invitae), Labcorp
Classification: Benign. Last evaluated: 2026-02-03. Review status: criteria provided, single submitter. Criteria: Invitae Variant Classification Sherloc (09022015). Collection method: clinical testing. Allele origin: germline.

Genome-Nilou Lab
Classification: Benign for Encephalopathy, neonatal severe, with lactic acidosis and brain abnormalities. Last evaluated: 2021-08-19. Review status: criteria provided, single submitter. Criteria: ACMG Guidelines, 2015. Collection method: clinical testing. Allele origin: germline. Affected: no.

GeneDx
Classification: Benign. Last evaluated: 2021-05-04. Review status: criteria provided, single submitter. Criteria: GeneDx Variant Classification Process June 2021. Collection method: clinical testing. Allele origin: germline. Affected: yes.

Breakthrough Genomics
Classification: Benign. Review status: criteria provided, single submitter. Criteria: ACMG Guidelines, 2015. Collection method: not provided. Allele origin: germline. Inheritance: Autosomal recessive inheritance. Affected: yes.

PreventionGenetics, part of Exact Sciences
Classification: Benign for LIPT2-related condition. Last evaluated: 2021-02-10. Review status: no assertion criteria provided. Collection method: clinical testing. Allele origin: germline. Not counted in ClinVar's aggregate classification.
Comment: This variant is classified as benign based on ACMG/AMP sequence variant interpretation guidelines (Richards et al. 2015 PMID: 25741868, with internal and published modifications).